The following is an entry in ClinVar:

ClinVar aggregate classification (germline): Uncertain significance (1 of 4 stars; one submission).

Conditions:
Catecholaminergic polymorphic ventricular tachycardia 1. Also called: RYR2-Related Catecholaminergic Polymorphic Ventricular Tachycardia; VENTRICULAR TACHYCARDIA, STRESS-INDUCED POLYMORPHIC 1; VENTRICULAR TACHYCARDIA, CATECHOLAMINERGIC POLYMORPHIC, 1, WITH OR WITHOUT ATRIAL DYSFUNCTION AND/OR DILATED CARDIOMYOPATHY. Identifiers: Orphanet 3286, MedGen C1631597, MONDO:0011484, OMIM 604772.

Submission:

Labcorp Genetics (formerly Invitae), Labcorp
Classification: Uncertain significance for Catecholaminergic polymorphic ventricular tachycardia 1. Last evaluated: 2018-07-05. Review status: criteria provided, single submitter. Criteria: Invitae Variant Classification Sherloc (09022015). Collection method: clinical testing. Allele origin: germline.
Comment: In summary, the available evidence is currently insufficient to determine the role of this variant in disease. Therefore, it has been classified as a Variant of Uncertain Significance. Algorithms developed to predict the effect of missense changes on protein structure and function are either unavailable or do not agree on the potential impact of this missense change (SIFT: "Deleterious"; PolyPhen-2: "Probably Damaging"; Align-GVGD: "Class C15"). This variant has not been reported in the literature in individuals with RYR2-related disease. This variant is not present in population databases (ExAC no frequency). This sequence change replaces leucine with phenylalanine at codon 1050 of the RYR2 protein (p.Leu1050Phe). The leucine residue is highly conserved and there is a small physicochemical difference between leucine and phenylalanine.

NM_001035.3(RYR2):c.3148C>T (p.Leu1050Phe)

Gene: RYR2 (ryanodine receptor 2; plus strand). Cytogenetic location: 1q43.
Variant type: single nucleotide variant.
Coding change: c.3148C>T on transcript NM_001035.3 (MANE Select); coding-DNA position 3148, C replaced by T.
Protein change: p.Leu1050Phe; replaces leucine 1050 with phenylalanine.
Molecular consequence: missense variant.
Genome position (GRCh38, 1-based): chr1:237,550,625, C>T. VCF-style: chr1-237550625-C-T. GRCh37 (hg19) VCF-style: chr1-237713925-C-T.
Other names: c.3148C>T, p.Leu1050Phe (LRG_402t1); short protein forms L1050F.
Identifiers: ClinVar variation 642788 (VCV000642788.10), dbSNP rs1572837868, ClinGen allele CA345394944.
Genomic context (GRCh38, chr1:237,550,625, plus strand): 5'-CCTCGCCTTGTTCCCTACACTCTTCTGGATGACCGAACCAAGAAATCCAACAAGGACAGC[C>T]TCCGCGAGGCTGTGCGCACGCTGCTGGGGTACGGCTACAACTTGGAAGCACCAGATCAAG-3'
Protein context (NP_001026.2, residues 1040-1060): DRTKKSNKDS[Leu1050Phe]REAVRTLLGY